The following is an entry in ClinVar:

ClinVar aggregate classification (germline): Uncertain significance (1 of 4 stars; one submission).

Allele frequency attached by ClinVar (database versions not stated): gnomAD exomes below 0.00001; TOPMed below 0.00001; gnomAD 0.00001.
gnomAD v4.1: 3 of 1,612,358 alleles (0.00019%); highest among the groups gnomAD compares: African/African-American, 0.0013%; no homozygotes.

Submission:

Labcorp Genetics (formerly Invitae), Labcorp
Classification: Uncertain significance. Last evaluated: 2025-11-12. Review status: criteria provided, single submitter. Criteria: Invitae Variant Classification Sherloc (09022015). Collection method: clinical testing. Allele origin: germline.
Comment: This sequence change replaces arginine, which is basic and polar, with cysteine, which is neutral and slightly polar, at codon 604 of the MTOR protein (p.Arg604Cys). This variant is not present in population databases (gnomAD no frequency). This variant has not been reported in the literature in individuals affected with MTOR-related conditions. ClinVar contains an entry for this variant (Variation ID: 2414994). Invitae Evidence Modeling of protein sequence and biophysical properties (such as structural, functional, and spatial information, amino acid conservation, physicochemical variation, residue mobility, and thermodynamic stability) indicates that this missense variant is not expected to disrupt MTOR protein function with a negative predictive value of 95%. In summary, the available evidence is currently insufficient to determine the role of this variant in disease. Therefore, it has been classified as a Variant of Uncertain Significance.

NM_004958.4(MTOR):c.1810C>T (p.Arg604Cys)

Gene: MTOR (mechanistic target of rapamycin kinase; minus strand). Cytogenetic location: 1p36.22.
Variant type: single nucleotide variant.
Coding change: c.1810C>T on transcript NM_004958.4 (MANE Select); coding-DNA position 1810, C replaced by T.
Protein change: p.Arg604Cys; replaces arginine 604 with cysteine.
Molecular consequence: missense variant.
Genome position (GRCh38, 1-based): chr1:11,238,594, G>A on the plus strand (C>T on the coding strand, the complement: MTOR is on the minus strand). VCF-style: chr1-11238594-G-A. GRCh37 (hg19) VCF-style: chr1-11298651-G-A.
Other names: c.1810C>T, p.Arg604Cys (NM_001386500.1); c.562C>T, p.Arg188Cys (NM_001386501.1); short protein forms R188C, R604C.
Identifiers: ClinVar variation 2414994 (VCV002414994.6), dbSNP rs1235010967, ClinGen allele CA338390532.